The following is an entry in ClinVar:

ClinVar aggregate classification (germline): Uncertain significance. Review status: criteria provided, multiple submitters, no conflicts (2 of 4 stars). 2 submissions from 2 submitters: Uncertain significance (2). Last evaluated 2024-03-22.

Conditions:
Xanthinuria type II. Also called: Xanthine dehydrogenase and aldehyde oxidase combined deficiency of; XDH and AOX dual deficiency. Identifiers: Orphanet 3467, Orphanet 93602, MedGen C1863688, MONDO:0011346, OMIM 603592.

gnomAD v4.1: 17 of 1,614,050 alleles (0.0011%); highest among the groups gnomAD compares: Non-Finnish European, 0.0014%; no homozygotes.

Submissions (2):

Fulgent Genetics
Classification: Uncertain significance for Xanthinuria type II. Last evaluated: 2024-03-22. Review status: criteria provided, single submitter. Criteria: ACMG Guidelines, 2015. Collection method: clinical testing. Allele origin: germline.

Labcorp Genetics (formerly Invitae), Labcorp
Classification: Uncertain significance for Xanthinuria type II. Last evaluated: 2021-02-27. Review status: criteria provided, single submitter. Criteria: Invitae Variant Classification Sherloc (09022015). Collection method: clinical testing. Allele origin: germline.
Comment: Algorithms developed to predict the effect of missense changes on protein structure and function are either unavailable or do not agree on the potential impact of this missense change (SIFT: "Deleterious"; PolyPhen-2: "Possibly Damaging"; Align-GVGD: "Class C0"). In summary, the available evidence is currently insufficient to determine the role of this variant in disease. Therefore, it has been classified as a Variant of Uncertain Significance. This variant has not been reported in the literature in individuals with MOCOS-related conditions. This variant is not present in population databases (ExAC no frequency). This sequence change replaces valine with leucine at codon 97 of the MOCOS protein (p.Val97Leu). The valine residue is highly conserved and there is a small physicochemical difference between valine and leucine.

NM_017947.4(MOCOS):c.289G>C (p.Val97Leu)

Gene: MOCOS (molybdenum cofactor sulfurase; plus strand). Cytogenetic location: 18q12.2.
Variant type: single nucleotide variant.
Coding change: c.289G>C on transcript NM_017947.4 (MANE Select); coding-DNA position 289, G replaced by C.
Protein change: p.Val97Leu; replaces valine 97 with leucine.
Molecular consequence: missense variant.
Genome position (GRCh38, 1-based): chr18:36,198,746, G>C. VCF-style: chr18-36198746-G-C. GRCh37 (hg19) VCF-style: chr18-33778709-G-C.
Other names: short protein forms V97L.
Identifiers: ClinVar variation 1439354 (VCV001439354.9), dbSNP rs150451100, ClinGen allele CA402211369.